The following is an entry in ClinVar:

NM_000088.4(COL1A1):c.2176C>A (p.Leu726Ile)

Gene: COL1A1 (collagen type I alpha 1 chain; minus strand). Cytogenetic location: 17q21.33.
Variant type: single nucleotide variant.
Coding change: c.2176C>A on transcript NM_000088.4 (MANE Select); coding-DNA position 2176, C replaced by A.
Protein change: p.Leu726Ile; replaces leucine 726 with isoleucine.
Molecular consequence: missense variant.
Genome position (GRCh38, 1-based): chr17:50,191,442, G>T on the plus strand (C>A on the coding strand, the complement: COL1A1 is on the minus strand). VCF-style: chr17-50191442-G-T. GRCh37 (hg19) VCF-style: chr17-48268803-G-T.
Other names: short protein forms L726I.
Identifiers: ClinVar variation 2855609 (VCV002855609.7), dbSNP rs757175933, ClinGen allele CA8644910.

ClinVar aggregate classification (germline): Conflicting classifications of pathogenicity. Review status: criteria provided, conflicting classifications (1 of 4 stars). 4 submissions from 4 submitters: Uncertain significance (3); Benign (1). Last evaluated 2026-06-17.

Conditions:
Cardiovascular phenotype. Identifiers: MedGen CN230736.
Osteogenesis imperfecta type I (OI1). Also called: Lobstein's Disease; Lobstein disease; OI, TYPE I; OSTEOGENESIS IMPERFECTA TARDA; OSTEOGENESIS IMPERFECTA WITH BLUE SCLERAE; Osteogenesis imperfecta type 1. Identifiers: Orphanet 216796, Orphanet 666, MedGen C0023931, MONDO:0008146, OMIM 166200. Disease mechanism: loss of function.

Allele frequency attached by ClinVar (database versions not stated): gnomAD exomes below 0.00001; ExAC 0.00001; gnomAD 0.00003; TOPMed 0.00003.
gnomAD v4.1: 6 of 1,613,946 alleles (0.00037%); highest among the groups gnomAD compares: African/African-American, 0.008%; no homozygotes.

Submissions (4):

GeneDx
Classification: Uncertain significance. Last evaluated: 2026-06-17. Review status: criteria provided, single submitter. Criteria: GeneDx Variant Classification Process June 2021. Collection method: clinical testing. Allele origin: germline.
Comment: Has not been previously published as pathogenic or benign to our knowledge; Not observed at significant frequency in large population cohorts (gnomAD); In silico analysis supports that this missense variant does not alter protein structure/function; Occurs in the triple helical domain at the X position in the canonical Gly-X-Y repeat; although this variant may have an effect on normal protein folding and function, missense substitution at the X position is not a common mechanism of disease (HGMD)

Women's Health and Genetics/Laboratory Corporation of America, LabCorp
Classification: Uncertain significance. Last evaluated: 2026-04-07. Review status: criteria provided, single submitter. Criteria: LabCorp Variant Classification Summary - May 2015. Collection method: clinical testing. Allele origin: germline.

Ambry Genetics
Classification: Uncertain significance for Cardiovascular phenotype. Last evaluated: 2026-02-12. Review status: criteria provided, single submitter. Criteria: Ambry Variant Classification Scheme 2023. Collection method: clinical testing. Allele origin: germline.
Comment: The p.L726I variant (also known as c.2176C>A), located in coding exon 32 of the COL1A1 gene, results from a C to A substitution at nucleotide position 2176. The leucine at codon 726 is replaced by isoleucine, an amino acid with highly similar properties. This amino acid position is well conserved in available vertebrate species. In addition, the in silico prediction for this alteration is inconclusive. Based on the available evidence, the clinical significance of this variant remains unclear.

Labcorp Genetics (formerly Invitae), Labcorp
Classification: Benign for Osteogenesis imperfecta type I. Last evaluated: 2025-11-15. Review status: criteria provided, single submitter. Criteria: Invitae Variant Classification Sherloc (09022015). Collection method: clinical testing. Allele origin: germline.